The following is an entry in ClinVar:

ClinVar aggregate classification (germline): Uncertain significance. Review status: criteria provided, multiple submitters, no conflicts (2 of 4 stars). 2 submissions from 2 submitters: Uncertain significance (2). Last evaluated 2025-06-07.

Conditions:
Inborn genetic diseases. Identifiers: MedGen C0950123, MeSH D030342.

gnomAD v4.1: 14 of 1,614,108 alleles (0.00087%); highest among the groups gnomAD compares: South Asian, 0.0088%; no homozygotes.

Submissions (2):

Ambry Genetics
Classification: Uncertain significance for Inborn genetic diseases. Last evaluated: 2025-06-07. Review status: criteria provided, single submitter. Criteria: Ambry Variant Classification Scheme 2023. Collection method: clinical testing. Allele origin: germline.

Labcorp Genetics (formerly Invitae), Labcorp
Classification: Uncertain significance. Last evaluated: 2024-06-29. Review status: criteria provided, single submitter. Criteria: Invitae Variant Classification Sherloc (09022015). Collection method: clinical testing. Allele origin: germline.
Comment: This sequence change replaces isoleucine, which is neutral and non-polar, with threonine, which is neutral and polar, at codon 357 of the MMP14 protein (p.Ile357Thr). This variant is present in population databases (rs771727412, gnomAD 0.003%). This variant has not been reported in the literature in individuals affected with MMP14-related conditions. Advanced modeling of protein sequence and biophysical properties (such as structural, functional, and spatial information, amino acid conservation, physicochemical variation, residue mobility, and thermodynamic stability) performed at Invitae indicates that this missense variant is not expected to disrupt MMP14 protein function with a negative predictive value of 80%. In summary, the available evidence is currently insufficient to determine the role of this variant in disease. Therefore, it has been classified as a Variant of Uncertain Significance.

NM_004995.4(MMP14):c.1070T>C (p.Ile357Thr)

Gene: MMP14 (matrix metallopeptidase 14; plus strand). Cytogenetic location: 14q11.2.
Variant type: single nucleotide variant.
Coding change: c.1070T>C on transcript NM_004995.4 (MANE Select); coding-DNA position 1070, T replaced by C.
Protein change: p.Ile357Thr; replaces isoleucine 357 with threonine.
Molecular consequence: missense variant.
Genome position (GRCh38, 1-based): chr14:22,844,429, T>C. VCF-style: chr14-22844429-T-C. GRCh37 (hg19) VCF-style: chr14-23313638-T-C.
Other names: c.1070T>C (NM_004995.2); short protein forms I357T.
Identifiers: ClinVar variation 3683586 (VCV003683586.3).